The following is an entry in ClinVar:

ClinVar aggregate classification (germline): Likely pathogenic (1 of 4 stars; one submission).

Conditions:
Cardiovascular phenotype. Identifiers: MedGen CN230736.

Submission:

Ambry Genetics
Classification: Likely pathogenic for Cardiovascular phenotype. Last evaluated: 2023-02-24. Review status: criteria provided, single submitter. Criteria: Ambry Variant Classification Scheme 2023. Collection method: clinical testing. Allele origin: germline.
Comment: The c.1381-1G>A intronic variant results from a G to A substitution one nucleotide upstream from coding exon 8 of the LMNA gene. This alteration has been reported in a dilated cardiomyopathy (DCM) cohort (Hasselberg NE et al. Eur Heart J, 2018 Mar;39:853-860). This variant is considered to be rare based on population cohorts in the Genome Aggregation Database (gnomAD). This nucleotide position is highly conserved in available vertebrate species. In silico splice site analysis predicts that this alteration will weaken the native splice acceptor site and will result in the creation or strengthening of a novel splice acceptor site. In addition to the clinical data presented in the literature, alterations that disrupt the canonical splice site are expected to cause aberrant splicing, resulting in an abnormal protein or a transcript that is subject to nonsense-mediated mRNA decay. As such, this alteration is classified as likely pathogenic.

Literature cited by the submitters: PubMed 29095976.

NM_170707.4(LMNA):c.1381-1G>A

Gene: LMNA (lamin A/C; plus strand). Cytogenetic location: 1q22.
Variant type: single nucleotide variant.
Coding change: c.1381-1G>A on transcript NM_170707.4 (MANE Select); the canonical splice acceptor site of the intron before coding-DNA position 1381, G replaced by A.
Molecular consequence: splice acceptor variant.
Genome position (GRCh38, 1-based): chr1:156,136,920, G>A. VCF-style: chr1-156136920-G-A. GRCh37 (hg19) VCF-style: chr1-156106711-G-A.
Other names: c.1381-1G>A (NM_001406983.1, NM_001282625.2, NM_001406984.1 and 6 more transcripts); c.823-1G>A (NM_001407002.1, NM_001406993.1, NM_001407003.1 and 4 more transcripts); c.757-1G>A (NM_001406999.1, NM_001407000.1, NM_001406994.1 and 1 more transcripts); c.1138-1G>A (NM_001406986.1, NM_001406987.1, NM_001282624.2); c.1045-1G>A (NM_001406989.1, NM_001257374.3, NM_001406998.1); c.1084-1G>A (NM_001406988.1).
Identifiers: ClinVar variation 2452985 (VCV002452985.2), dbSNP rs2528006468, ClinGen allele CA342822378.
Genomic context (GRCh38, chr1:156,136,920, plus strand): 5'-AGATACACCCAAGAGCCTGGGTGAGCCTCCCCGACCTTCCTCTTCCCTATCTTCCCGGCA[G>A]GACCAGTCCATGGGCAATTGGCAGATCAAGCGCCAGAATGGAGATGATCCCTTGCTGACT-3'